The following is an entry in ClinVar:

NM_001034853.2(RPGR):c.3395del (p.Asn1132fs)

Gene: RPGR (retinitis pigmentosa GTPase regulator; minus strand). Cytogenetic location: Xp11.4.
Variant type: Deletion.
Coding change: c.3395del on transcript NM_001034853.2 (MANE Select); coding-DNA position 3395, one base deleted (A; older notation c.3395delA).
Protein change: p.Asn1132fs; shifts the reading frame from asparagine 1132.
Molecular consequence: frameshift variant. On other transcripts: intron variant (8).
Genome position (GRCh38, 1-based): chrX:38,285,604, T deleted on the plus strand (A on the coding strand, the reverse complement: RPGR is on the minus strand); the first of 6 consecutive T bases (chrX:38,285,604-38,285,609); deleting any one gives the same sequence. VCF-style (leftmost placement, unchanged base first): chrX-38285603-GT-G. GRCh37 (hg19) VCF-style: chrX-38144856-GT-G.
Other names: c.1569+5355del (NM_001367249.1, NM_001367250.1); c.1902+1490del (NM_001367245.1); c.1386+5355del (NM_001367251.1); c.1719+1490del (NM_001367246.1); c.1572+5355del (NM_001367247.1); c.1905+1490del (NM_000328.3); c.1602+5355del (NM_001367248.1); short protein forms N1132fs.
Identifiers: ClinVar variation 2737192 (VCV002737192.3), dbSNP rs2519779804, ClinGen allele CA2695232560.
Genomic context (GRCh38, chrX:38,285,603, plus strand): 5'-CTTCAATTCCAAGTAATGTGGTAATACATTATTCCAGAACTTTTTGGAACCTGATGGCCC[GT>G]TTTTTAAAAGTCGTTTTGACTGGACTGGCATTTTGGACCTCTGCTCTTTCCCATTTCCCT-3'

ClinVar aggregate classification (germline): Likely pathogenic (1 of 4 stars; one submission).

Conditions:
Primary ciliary dyskinesia. Also called: Ciliary dyskinesia. Identifiers: Orphanet 244, MedGen C0008780, MONDO:0016575, HP:0012265.

Submission:

Labcorp Genetics (formerly Invitae), Labcorp
Classification: Likely pathogenic for Primary ciliary dyskinesia. Last evaluated: 2023-10-05. Review status: criteria provided, single submitter. Criteria: Invitae Variant Classification Sherloc (09022015). Collection method: clinical testing. Allele origin: germline.
Comment: This sequence change creates a premature translational stop signal (p.Asn1132Thrfs*20) in the RPGR (ORF15) gene. While this is not anticipated to result in nonsense mediated decay, it is expected to disrupt the last 21 amino acid(s) of the RPGR (ORF15) protein. This variant is not present in population databases (gnomAD no frequency). This premature translational stop signal has been observed in individual(s) with bulls eye macular dystrophy and/or retinitis pigmentosa (PMID: 18552978, 25283059). This variant disrupts the C-terminus of the RPGR (ORF15) protein. Other variant(s) that disrupt this region (p.Asn1132Argfs*11, p.Pro1134Hisfs*18, p.Trp1141*) have been observed in individuals with RPGR (ORF15)-related conditions (PMID: 16969763, 31645972; Invitae). This suggests that this may be a clinically significant region of the protein. In summary, the currently available evidence indicates that the variant is pathogenic, but additional data are needed to prove that conclusively. Therefore, this variant has been classified as Likely Pathogenic.

Literature cited by the submitters: PubMed 18552978; PubMed 25283059; PubMed 16969763; PubMed 31645972.